The following is an entry in ClinVar:

ClinVar aggregate classification (germline): Uncertain significance (1 of 4 stars; one submission).

Allele frequency attached by ClinVar (database versions not stated): TOPMed below 0.00001; gnomAD 0.00001.
gnomAD v4.1: 11 of 1,613,432 alleles (0.00068%); highest among the groups gnomAD compares: African/African-American, 0.0027%; no homozygotes.

Submission:

Labcorp Genetics (formerly Invitae), Labcorp
Classification: Uncertain significance. Last evaluated: 2025-10-29. Review status: criteria provided, single submitter. Criteria: Invitae Variant Classification Sherloc (09022015). Collection method: clinical testing. Allele origin: germline.
Comment: This sequence change replaces leucine, which is neutral and non-polar, with glutamine, which is neutral and polar, at codon 251 of the RHOBTB2 protein (p.Leu251Gln). This variant is present in population databases (no rsID available, gnomAD 0.007%). This variant has not been reported in the literature in individuals affected with RHOBTB2-related conditions. ClinVar contains an entry for this variant (Variation ID: 2985034). Invitae Evidence Modeling of protein sequence and biophysical properties (such as structural, functional, and spatial information, amino acid conservation, physicochemical variation, residue mobility, and thermodynamic stability) has been performed for this missense variant. However, the output from this modeling did not meet the statistical confidence thresholds required to predict the impact of this variant on RHOBTB2 protein function. In summary, the available evidence is currently insufficient to determine the role of this variant in disease. Therefore, it has been classified as a Variant of Uncertain Significance.

NM_015178.3(RHOBTB2):c.686T>A (p.Leu229Gln)

Gene: RHOBTB2 (Rho related BTB domain containing 2; plus strand). Cytogenetic location: 8p21.3.
Variant type: single nucleotide variant.
Coding change: c.686T>A on transcript NM_015178.3 (MANE Select); coding-DNA position 686, T replaced by A.
Protein change: p.Leu229Gln; replaces leucine 229 with glutamine.
Molecular consequence: missense variant.
Genome position (GRCh38, 1-based): chr8:23,006,931, T>A. VCF-style: chr8-23006931-T-A. GRCh37 (hg19) VCF-style: chr8-22864444-T-A.
Other names: c.752T>A, p.Leu251Gln (NM_001160036.2); c.707T>A, p.Leu236Gln (NM_001160037.2); c.686T>A, p.Leu229Gln (NM_001374791.1); short protein forms L251Q, L229Q, L236Q.
Identifiers: ClinVar variation 2985034 (VCV002985034.3), dbSNP rs1428039838, ClinGen allele CA370564924.